The following is an entry in ClinVar:

NM_017780.4(CHD7):c.5101del (p.Gln1701fs)

Gene: CHD7 (chromodomain helicase DNA binding protein 7; plus strand). Cytogenetic location: 8q12.2.
Variant type: Deletion.
Coding change: c.5101del on transcript NM_017780.4 (MANE Select); coding-DNA position 5101, one base deleted (C; older notation c.5101delC).
Protein change: p.Gln1701fs; shifts the reading frame from glutamine 1701.
Molecular consequence: frameshift variant. On other transcripts: intron variant (1).
Genome position (GRCh38, 1-based): chr8:60,845,300, C deleted; the last of 3 consecutive C bases (chr8:60,845,298-60,845,300); deleting any one gives the same sequence. VCF-style (leftmost placement, unchanged base first): chr8-60845297-GC-G. GRCh37 (hg19) VCF-style: chr8-61757856-GC-G.
Other names: c.1717-16929del (NM_001316690.1); short protein forms Q1701fs.
Identifiers: ClinVar variation 459549 (VCV000459549.2), dbSNP rs1554602557, ClinGen allele CA658657772.

ClinVar aggregate classification (germline): Pathogenic (1 of 4 stars; one submission).

Conditions:
CHARGE syndrome (CHARGE). Also called: Hittner Hirsch Kreh syndrome; CHARGE ASSOCIATION--COLOBOMA, HEART ANOMALY, CHOANAL ATRESIA, RETARDATION, GENITAL AND EAR ANOMALIES; Coloboma, heart anomaly, choanal atresia, retardation, genital and ear anomalies; CHARGE association; Hall-Hittner syndrome. Identifiers: Orphanet 138, MedGen C0265354, MONDO:0008965.

Submission:

Labcorp Genetics (formerly Invitae), Labcorp
Classification: Pathogenic for CHARGE syndrome. Last evaluated: 2017-03-10. Review status: criteria provided, single submitter. Criteria: Invitae Variant Classification Sherloc (09022015). Collection method: clinical testing. Allele origin: germline.
Comment: This sequence change deletes 1 nucleotide from exon 23 of the CHD7 mRNA (c.5101delC), causing a frameshift at codon 1701. This creates a premature translational stop signal (p.Gln1701Argfs*31) and is expected to result in an absent or disrupted protein product. While this particular variant has not been reported in the literature, loss-of-function variants in CHD7 are known to be pathogenic (PMID: 16400610, 22461308). For these reasons, this variant has been classified as Pathogenic.

Literature cited by the submitters: PubMed 16400610; PubMed 22461308.